The following is an entry in ClinVar:

ClinVar aggregate classification (germline): Uncertain significance (1 of 4 stars; one submission).

Conditions:
Hereditary cancer-predisposing syndrome. Also called: Neoplastic Syndromes, Hereditary; Tumor predisposition; Hereditary Cancer Syndrome; Hereditary neoplastic syndrome. Identifiers: Orphanet 140162, MedGen C0027672, MeSH D009386, MONDO:0015356.

Submission:

Ambry Genetics
Classification: Uncertain significance for Hereditary cancer-predisposing syndrome. Last evaluated: 2025-11-10. Review status: criteria provided, single submitter. Criteria: Ambry Variant Classification Scheme 2023. Collection method: clinical testing. Allele origin: germline.
Comment: The p.M54T variant (also known as c.161T>C), located in coding exon 2 of the EGFR gene, results from a T to C substitution at nucleotide position 161. The methionine at codon 54 is replaced by threonine, an amino acid with similar properties. This amino acid position is conserved. In addition, the in silico prediction for this alteration is inconclusive. Based on the available evidence, the clinical significance of this variant remains unclear.

NM_005228.5(EGFR):c.161T>C (p.Met54Thr)

Gene: EGFR (epidermal growth factor receptor; plus strand). Cytogenetic location: 7p11.2.
Variant type: single nucleotide variant.
Coding change: c.161T>C on transcript NM_005228.5 (MANE Select); coding-DNA position 161, T replaced by C.
Protein change: p.Met54Thr; replaces methionine 54 with threonine.
Molecular consequence: missense variant. On other transcripts: initiator codon variant (1), intron variant (1).
Genome position (GRCh38, 1-based): chr7:55,142,358, T>C. VCF-style: chr7-55142358-T-C. GRCh37 (hg19) VCF-style: chr7-55210051-T-C.
Other names: c.161T>C, p.Met54Thr (NM_001346897.2, NM_001346898.2, NM_001346899.2 and 3 more transcripts); c.2T>C, p.Met1Thr (NM_001346900.2); c.89-13472T>C (NM_001346941.2); short protein forms M54T, M1T.
Identifiers: ClinVar variation 4639496 (VCV004639496.1).